The following is an entry in ClinVar:

NM_153026.3(PRICKLE1):c.758_759delinsAA (p.Thr253Lys)

Gene: PRICKLE1 (prickle planar cell polarity protein 1; minus strand). Cytogenetic location: 12q12.
Variant type: Indel.
Coding change: c.758_759delinsAA on transcript NM_153026.3 (MANE Select); coding-DNA positions 758 to 759, CC replaced by AA.
Protein change: p.Thr253Lys; replaces threonine 253 with lysine.
Molecular consequence: missense variant.
Genome position (GRCh38, 1-based): chr12:42,466,210-42,466,211, GG replaced by TT on the plus strand (CC replaced by AA on the coding strand, the reverse complement: PRICKLE1 is on the minus strand). VCF-style: chr12-42466210-GG-TT. GRCh37 (hg19) VCF-style: chr12-42860012-GG-TT.
Other names: c.758_759delinsAA, p.Thr253Lys (NM_001144881.2, NM_001144882.2, NM_001144883.2); short protein forms T253K.
Identifiers: ClinVar variation 2110364 (VCV002110364.4), dbSNP rs2503431189, ClinGen allele CA2580085442.

ClinVar aggregate classification (germline): Uncertain significance (1 of 4 stars; one submission).

Conditions:
Epilepsy, progressive myoclonic, 1B. Also called: PME. Identifiers: Orphanet 308, MedGen C2676254, MONDO:0012904, OMIM 612437.

Submission:

Labcorp Genetics (formerly Invitae), Labcorp
Classification: Uncertain significance for Epilepsy, progressive myoclonic, 1B. Last evaluated: 2022-04-13. Review status: criteria provided, single submitter. Criteria: Invitae Variant Classification Sherloc (09022015). Collection method: clinical testing. Allele origin: germline.
Comment: In summary, the available evidence is currently insufficient to determine the role of this variant in disease. Therefore, it has been classified as a Variant of Uncertain Significance. Algorithms developed to predict the effect of missense changes on protein structure and function are either unavailable or do not agree on the potential impact of this missense change (SIFT: "Not Available"; PolyPhen-2: "Benign"; Align-GVGD: "Not Available"). This variant has not been reported in the literature in individuals affected with PRICKLE1-related conditions. Information on the frequency of this variant in the gnomAD database is not available, as this variant may be reported differently in the database. This sequence change replaces threonine, which is neutral and polar, with lysine, which is basic and polar, at codon 253 of the PRICKLE1 protein (p.Thr253Lys).